The following is an entry in ClinVar:

NM_000359.3(TGM1):c.366G>A (p.Ser122=)

Gene: TGM1 (transglutaminase 1; minus strand). Cytogenetic location: 14q12.
Variant type: single nucleotide variant.
Coding change: c.366G>A on transcript NM_000359.3 (MANE Select); coding-DNA position 366, G replaced by A.
Protein change: p.Ser122=; no amino-acid change (serine 122 retained).
Molecular consequence: synonymous variant.
Genome position (GRCh38, 1-based): chr14:24,261,837, C>T on the plus strand (G>A on the coding strand, the complement: TGM1 is on the minus strand). VCF-style: chr14-24261837-C-T. GRCh37 (hg19) VCF-style: chr14-24731043-C-T.
Identifiers: ClinVar variation 312988 (VCV000312988.18), dbSNP rs17102410, ClinGen allele CA7131436.
Genomic context (GRCh38, chr14:24,261,837, plus strand): 5'-GCGCACTATCAGCTCGTCGTACTCATACTCGTCTGTGTGGTGCTCTCGGCGGTTCTGGTC[C>T]GAGCGCGAGCTCAGCAAGTCCACACCGTTCACTACTAGCATGCCCTCTGCAAGGACACAG-3'
Protein context (NP_000350.1, residues 112-132): VNGVDLLSSR[Ser122=]DQNRREHHTD

ClinVar aggregate classification (germline): Benign. Review status: criteria provided, multiple submitters, no conflicts (2 of 4 stars). 5 submissions from 5 submitters: Benign (4). 1 of the submissions does not count toward it. Last evaluated 2026-02-04.

Conditions:
Autosomal recessive congenital ichthyosis 1 (LI1). Also called: COLLODION FETUS; DESQUAMATION OF NEWBORN; ICHTHYOSIS, CONGENITAL, AUTOSOMAL RECESSIVE 1, WITH BATHING SUIT DISTRIBUTION; ICHTHYOSIS, CONGENITAL, AUTOSOMAL RECESSIVE 1, WITH OR WITHOUT BATHING SUIT DISTRIBUTION; ICHTHYOSIS CONGENITA; ICHTHYOSIS CONGENITA II. Identifiers: MedGen C4551630, MONDO:0009441, OMIM 242300.

Allele frequency attached by ClinVar (database versions not stated): gnomAD exomes 0.01027; ExAC 0.01150; gnomAD 0.02852 and 0.03062; ESP Exome Variant Server 0.03129; TOPMed 0.03174; 1000 Genomes Project 0.03355; 1000 Genomes Project 30x 0.03638.

Submissions (5):

Labcorp Genetics (formerly Invitae), Labcorp
Classification: Benign. Last evaluated: 2026-02-04. Review status: criteria provided, single submitter. Criteria: Invitae Variant Classification Sherloc (09022015). Collection method: clinical testing. Allele origin: germline.

Illumina Laboratory Services, Illumina
Classification: Benign for Autosomal recessive congenital ichthyosis 1. Last evaluated: 2018-01-13. Review status: criteria provided, single submitter. Criteria: ICSL Variant Classification Criteria 13 December 2019. Collection method: clinical testing. Allele origin: germline.
Comment: This variant was observed in the ICSL laboratory as part of a predisposition screen in an ostensibly healthy population. It had not been previously curated by ICSL or reported in the Human Gene Mutation Database (HGMD: prior to June 1st, 2018), and was therefore a candidate for classification through an automated scoring system. Utilizing variant allele frequency, disease prevalence and penetrance estimates, and inheritance mode, an automated score was calculated to assess if this variant is too frequent to cause the disease. Based on the score and internal cut-off values, a variant classified as benign is not then subjected to further curation. The score for this variant resulted in a classification of benign for this disease.

Breakthrough Genomics
Classification: Benign. Review status: criteria provided, single submitter. Criteria: ACMG Guidelines, 2015. Collection method: not provided. Allele origin: germline. Inheritance: Autosomal recessive inheritance. Affected: yes.

Genome-Nilou Lab
Classification: Benign for Autosomal recessive congenital ichthyosis 1. Review status: criteria provided, single submitter. Criteria: ACMG Guidelines, 2015. Collection method: clinical testing. Allele origin: germline.

Natera, Inc.
Classification: Benign for Autosomal recessive congenital ichthyosis type 1. Last evaluated: 2019-12-03. Review status: no assertion criteria provided. Collection method: clinical testing. Allele origin: germline. Not counted in ClinVar's aggregate classification.